The following is an entry in ClinVar:

ClinVar aggregate classification (germline): Likely pathogenic (1 of 4 stars; one submission).

Conditions:
Bethlem myopathy 1C (BTHLM1C). Identifiers: MedGen C5935581, MONDO:0958234, OMIM 620726.

Submission:

Clinical Genomics Laboratory, Washington University in St. Louis
Classification: Likely pathogenic for Bethlem myopathy 1C. Last evaluated: 2025-12-05. Review status: criteria provided, single submitter. Criteria: ACMG Guidelines, 2015. Collection method: clinical testing. Allele origin: germline. Affected: yes.
Comment: The COL6A3 c.5839del (p.Val1947Trpfs*31) variant, to our knowledge, has not been reported in the medical literature. This variant is absent from the general population (gnomAD v.2.1.1), indicating it is not a common variant. This variant causes a frameshift by deleting one nucleotide, leading to a premature termination codon, which is predicted to lead to nonsense mediated decay. Based on available information and the ACMG/AMP guidelines for variant interpretation (Richards S et al., PMID: 25741868), this variant is classified as likely pathogenic.

NM_004369.4(COL6A3):c.5839del

Gene: COL6A3 (collagen type VI alpha 3 chain; minus strand). Cytogenetic location: 2q37.3.
Variant type: Deletion.
Coding change: c.5839del on transcript NM_004369.4 (MANE Select); coding-DNA position 5839, one base deleted (G; older notation c.5839delG).
Molecular consequence: splice acceptor variant.
Genome position (GRCh38, 1-based): chr2:237,364,428, C deleted on the plus strand (G on the coding strand, the reverse complement: COL6A3 is on the minus strand); the first of 2 consecutive C bases (chr2:237,364,428-237,364,429); deleting either gives the same sequence. VCF-style (leftmost placement, unchanged base first): chr2-237364427-AC-A. GRCh37 (hg19) VCF-style: chr2-238273070-AC-A.
Identifiers: ClinVar variation 4879306 (VCV004879306.1).
Genomic context (GRCh38, chr2:237,364,427, plus strand): 5'-TCAGATGCTCTGTGTAAATCAGCCAGATCTCCGTCTGCTCCATCAGTAAAATGAATGACC[AC>A]CTGCAGATAAGAGAGCTGTCAAATCCCAGGAAAACTAAAAAGGAGTGTTGCAGACTGCTG-3'